The following is an entry in ClinVar:

NM_002348.4(LY9):c.272G>A (p.Arg91His)

Gene: LY9 (lymphocyte antigen 9; plus strand). Cytogenetic location: 1q23.3.
Variant type: single nucleotide variant.
Coding change: c.272G>A on transcript NM_002348.4 (MANE Select); coding-DNA position 272, G replaced by A.
Protein change: p.Arg91His; replaces arginine 91 with histidine.
Molecular consequence: missense variant.
Genome position (GRCh38, 1-based): chr1:160,799,900, G>A. VCF-style: chr1-160799900-G-A. GRCh37 (hg19) VCF-style: chr1-160769690-G-A.
Other names: c.272G>A, p.Arg91His (NM_001033667.3, NM_001261456.2, NM_001261457.2); short protein forms R91H.
Identifiers: ClinVar variation 3038300 (VCV003038300.2), dbSNP rs35759983, ClinGen allele CA1201531.
Genomic context (GRCh38, chr1:160,799,900, plus strand): 5'-TAGACACAGAGATTGAGAACGTCATCTGGATTGGTCCCAAAAATGCTCTTGCTTTCGCAC[G>A]TCCCAAAGAAAATGTAACCATTATGGTCAAAAGCTACCTGGGCCGACTAGACATCACCAA-3'
Protein context (NP_002339.2, residues 81-101): IGPKNALAFA[Arg91His]PKENVTIMVK

ClinVar aggregate classification (germline): Likely benign (0 of 4 stars; one submission).

Conditions:
LY9-related disorder. Also called: LY9-related condition.

Allele frequency attached by ClinVar (database versions not stated): 1000 Genomes Project 30x 0.00062; 1000 Genomes Project 0.00080; TOPMed 0.00255; ExAC 0.00265; gnomAD 0.00283; ESP Exome Variant Server 0.00331.
gnomAD v4.1: 6,308 of 1,614,114 alleles (0.39%); highest among the groups gnomAD compares: Non-Finnish European, 0.49%; 27 homozygotes.

Submission:

PreventionGenetics, part of Exact Sciences
Classification: Likely benign for LY9-related condition. Last evaluated: 2024-01-10. Review status: no assertion criteria provided. Collection method: clinical testing. Allele origin: germline.
Comment: This variant is classified as likely benign based on ACMG/AMP sequence variant interpretation guidelines (Richards et al. 2015 PMID: 25741868, with internal and published modifications).